The following is an entry in ClinVar:

ClinVar aggregate classification (germline): Pathogenic/Likely pathogenic. Review status: criteria provided, multiple submitters, no conflicts (2 of 4 stars). 5 submissions from 5 submitters: Pathogenic (3); Likely pathogenic (2). Last evaluated 2025-09-24.

Conditions:
ABCC2-related disorder. Also called: ABCC2-related condition.
Dubin-Johnson syndrome (DJS). Also called: Hyperbilirubinemia type 2; HYPERBILIRUBINEMIA, DUBIN-JOHNSON TYPE; Jaundice, Chronic Idiopathic. Identifiers: Orphanet 234, MedGen C0022350, MONDO:0009380, OMIM 237500.

Allele frequency attached by ClinVar (database versions not stated): gnomAD exomes 0.00002 and 0.00005; ExAC 0.00007; 1000 Genomes Project 30x 0.00047; gnomAD 0.00001 and 0.00002; TOPMed 0.00001.

Submissions (5):

Genesolutions, Medical Genetics Institutes, Ho Chi Minh City, Vietnam
Classification: Pathogenic for Dubin-Johnson syndrome. Last evaluated: 2025-09-24. Review status: criteria provided, single submitter. Criteria: ACMG Guidelines, 2015. Collection method: clinical testing. Allele origin: germline. Affected: yes.

Labcorp Genetics (formerly Invitae), Labcorp
Classification: Pathogenic. Last evaluated: 2023-12-01. Review status: criteria provided, single submitter. Criteria: Invitae Variant Classification Sherloc (09022015). Collection method: clinical testing. Allele origin: germline.
Comment: This sequence change creates a premature translational stop signal (p.Leu788Valfs*13) in the ABCC2 gene. It is expected to result in an absent or disrupted protein product. Loss-of-function variants in ABCC2 are known to be pathogenic (PMID: 9185779, 16549534, 16952291). This variant is present in population databases (rs772673105, gnomAD 0.03%). This variant has not been reported in the literature in individuals affected with ABCC2-related conditions. ClinVar contains an entry for this variant (Variation ID: 298456). For these reasons, this variant has been classified as Pathogenic.

Blueprint Genetics
Classification: Likely pathogenic for ABCC2-related disorders. Last evaluated: 2021-07-27. Review status: criteria provided, single submitter. Criteria: ACMG Guidelines, 2015. Collection method: clinical testing. Allele origin: germline. Affected: yes. Observed: 3 variant alleles.

Eurofins Ntd Llc (ga)
Classification: Pathogenic. Last evaluated: 2016-11-15. Review status: criteria provided, single submitter. Criteria: EGL Classification Definitions 2015. Collection method: clinical testing. Allele origin: germline. Observed: 1 variant allele, 1 heterozygote.

Neuberg Centre For Genomic Medicine, NCGM
Classification: Likely pathogenic for Dubin-Johnson syndrome. Review status: criteria provided, single submitter. Criteria: ACMG Guidelines, 2015. Collection method: clinical testing. Allele origin: germline. Inheritance: Autosomal recessive inheritance. Affected: yes.
Comment: The observed frameshift c.2362_2363del(p.Leu788ValfsTer13) variant in ABCC2 has been reported in compound heterozygous state in individuals affected with Dubin-Johnson Syndrome (Liu T et al., 2023). The p.Leu788ValfsTer13 variant is present with an allele frequency of 0.005% in gnomAD. This variant has been submitted to the ClinVar database as Uncertain Significance / Pathogenic. This variant causes a frameshift starting with codon Leucine 788, changes this amino acid to Valine residue, and creates a premature Stop codon at position 13 of the new reading frame, denoted p.Leu788ValfsTer13. This variant is predicted to cause loss of normal protein function through protein truncation. Loss of function variants have been previously reported to be disease causing. Functional studies are required to prove the pathogenicity for the variant, for these reasons, this variant has been classified as Likely Pathogenic.

Literature cited by the submitters: PubMed 9185779 (cited by Labcorp Genetics (formerly Invitae), Labcorp); PubMed 16549534 (cited by Labcorp Genetics (formerly Invitae), Labcorp); PubMed 16952291 (cited by Labcorp Genetics (formerly Invitae), Labcorp).

NM_000392.5(ABCC2):c.2362_2363del (p.Leu788fs)

Gene: ABCC2 (ATP binding cassette subfamily C member 2; plus strand). Cytogenetic location: 10q24.2.
Variant type: Deletion.
Coding change: c.2362_2363del on transcript NM_000392.5 (MANE Select); coding-DNA positions 2362 to 2363, 2 bases deleted (CT; older notation c.2362_2363delCT).
Protein change: p.Leu788fs; shifts the reading frame from leucine 788.
Molecular consequence: frameshift variant.
Genome position (GRCh38, 1-based): chr10:99,818,880-99,818,881, CT deleted. VCF-style (leftmost placement, unchanged base first): chr10-99818879-CCT-C. GRCh37 (hg19) VCF-style: chr10-101578636-CCT-C.
Other names: c.2362_2363del, p.Leu788fs (LRG_1208t1); short protein forms L788fs.
Identifiers: ClinVar variation 298456 (VCV000298456.21), dbSNP rs772673105, ClinGen allele CA5643457.